The following is an entry in ClinVar:

NM_206933.4(USH2A):c.9921T>A (p.Cys3307Ter)

Gene: USH2A (usherin; minus strand). Cytogenetic location: 1q41.
Variant type: single nucleotide variant.
Coding change: c.9921T>A on transcript NM_206933.4 (MANE Select); coding-DNA position 9921, T replaced by A.
Protein change: p.Cys3307Ter; replaces cysteine 3307 with a stop codon.
Molecular consequence: nonsense.
Genome position (GRCh38, 1-based): chr1:215,798,944, A>T on the plus strand (T>A on the coding strand, the complement: USH2A is on the minus strand). VCF-style: chr1-215798944-A-T. GRCh37 (hg19) VCF-style: chr1-215972286-A-T.
Other names: short protein forms C3307*.
Identifiers: ClinVar variation 3601039 (VCV003601039.1).

ClinVar aggregate classification (germline): Pathogenic (1 of 4 stars; one submission).

Conditions:
Usher syndrome type 2A. Also called: RETINAL DISEASE IN USHER SYNDROME TYPE IIA, MODIFIER OF; USHER SYNDROME, TYPE IIA. Identifiers: Orphanet 231178, Orphanet 886, MedGen C1848634, MONDO:0010169, OMIM 276901.

Submission:

Institute of Rare Diseases, West China Hospital, Sichuan University
Classification: Pathogenic for Usher syndrome type 2A. Last evaluated: 2025-01-09. Review status: criteria provided, single submitter. Criteria: ClinGen HL ACMG Specifications v1. Collection method: research. Allele origin: germline. Affected: yes.
Comment: PVS1;PM3;PM2_Supporting